The following is an entry in ClinVar:

ClinVar aggregate classification (germline): Likely pathogenic (1 of 4 stars; one submission).

Conditions:
Tuberous sclerosis 2 (TSC2). Identifiers: Orphanet 805, MedGen C1860707, MONDO:0013199, OMIM 613254.

Submission:

Labcorp Genetics (formerly Invitae), Labcorp
Classification: Likely pathogenic for Tuberous sclerosis 2. Last evaluated: 2025-08-26. Review status: criteria provided, single submitter. Criteria: Invitae Variant Classification Sherloc (09022015). Collection method: clinical testing. Allele origin: germline.
Comment: This variant, c.1862_1864dup, results in the insertion of 1 amino acid(s) of the TSC2 protein (p.Leu621dup), but otherwise preserves the integrity of the reading frame. This variant is not present in population databases (gnomAD no frequency). This variant has been observed in individual(s) with clinical features of tuberous sclerosis complex (internal data). In at least one individual the variant was observed to be de novo. In summary, the currently available evidence indicates that the variant is pathogenic, but additional data are needed to prove that conclusively. Therefore, this variant has been classified as Likely Pathogenic.

NM_000548.5(TSC2):c.1856TGC[4] (p.Leu621_Arg622insLeu)

Gene: TSC2 (TSC complex subunit 2; plus strand). Cytogenetic location: 16p13.3.
Variant type: Microsatellite.
Coding change: c.1856TGC[4] on transcript NM_000548.5 (MANE Select); four copies in a row of the 3-base unit TGC starting at c.1856; the reference has three copies in a row; one copy, 3 bases duplicated.
Protein change: p.Leu621_Arg622insLeu.
Molecular consequence: inframe insertion. On other transcripts: non-coding transcript variant (5).
Genome position (GRCh38, 1-based): chr16:2,071,532-2,071,534, TGC duplicated; duplicating any 3 consecutive bases within chr16:2,071,526-2,071,534 gives the same sequence; the position shown is the placement nearest the transcript's 3' end. VCF-style (leftmost placement, unchanged base first): chr16-2071525-T-TTGC. GRCh37 (hg19) VCF-style: chr16-2121526-T-TTGC.
Other names: c.1856TGC[4], p.Leu621_Arg622insLeu (NM_001077183.3, NM_001114382.3, NM_001363528.2 and 6 more transcripts); c.1745TGC[4], p.Leu584_Arg585insLeu (NM_001318827.2, NM_001406670.1, NM_001406678.1); c.1709TGC[4], p.Leu572_Arg573insLeu (NM_001318829.2, NM_001406675.1, NM_001406676.1 and 1 more transcripts); c.1256TGC[4], p.Leu421_Arg422insLeu (NM_001318831.2, NM_001406680.1, NM_001406682.1 and 6 more transcripts); c.1889TGC[4], p.Leu632_Arg633insLeu (NM_001318832.2); c.1946TGC[4], p.Leu651_Arg652insLeu (NM_001406667.1, NM_001406668.1); c.1844TGC[4], p.Leu617_Arg618insLeu (NM_001406671.1, NM_001406673.1); c.1799TGC[4], p.Leu602_Arg603insLeu (NM_001406677.1); and 3 more.
Identifiers: ClinVar variation 4723006 (VCV004723006.1).
Genomic context (GRCh38, chr16:2,071,525, plus strand): 5'-CCTGCACGAGCTTGGCTCTGGCTTTCACCATCCTCTTCCTGACAGGCCTTTGACTTCCTG[T>TTGC]TGCTGCTGCGGGCCGACTCACTGCACCGCCTGGGCCTGCCCAACAAGGATGGAGTCGTGC-3'